The following is an entry in ClinVar:

ClinVar aggregate classification (germline): Benign/Likely benign. Review status: criteria provided, multiple submitters, no conflicts (2 of 4 stars). 4 submissions from 4 submitters: Benign (1); Likely benign (2). 1 of the submissions does not count toward it. Last evaluated 2025-09-14.

Conditions:
Cardiovascular phenotype. Identifiers: MedGen CN230736.
APOA5-related disorder. Also called: APOA5-related condition.

Allele frequency attached by ClinVar (database versions not stated): 1000 Genomes Project 30x 0.00016; 1000 Genomes Project 0.00020; gnomAD 0.00025; TOPMed 0.00027; ExAC 0.00029; ESP Exome Variant Server 0.00062.

Submissions (5):

Labcorp Genetics (formerly Invitae), Labcorp
Classification: Likely benign. Last evaluated: 2025-09-14. Review status: criteria provided, single submitter. Criteria: Invitae Variant Classification Sherloc (09022015). Collection method: clinical testing. Allele origin: germline.

Women's Health and Genetics/Laboratory Corporation of America, LabCorp
Classification: Benign. Last evaluated: 2025-01-04. Review status: criteria provided, single submitter. Criteria: LabCorp Variant Classification Summary - May 2015. Collection method: clinical testing. Allele origin: germline.

Ambry Genetics
Classification: Likely benign for Cardiovascular phenotype. Last evaluated: 2022-04-12. Review status: criteria provided, single submitter. Criteria: Ambry Variant Classification Scheme 2023. Collection method: clinical testing. Allele origin: germline.

PreventionGenetics, part of Exact Sciences
Classification: Likely benign for APOA5-related condition. Last evaluated: 2021-06-16. Review status: no assertion criteria provided. Collection method: clinical testing. Allele origin: germline. Not counted in ClinVar's aggregate classification.
Comment: This variant is classified as likely benign based on ACMG/AMP sequence variant interpretation guidelines (Richards et al. 2015 PMID: 25741868, with internal and published modifications).

Dr. Peter K. Rogan Lab, Western University
No classification provided (evidence only). Condition: Gastric cancer. Review status: no classification provided. Collection method: in vitro. Allele origin: not applicable. Functional consequence: retained intron. Not counted in ClinVar's aggregate classification.

NM_001371904.1(APOA5):c.70C>A (p.Arg24=)

Genes: APOA5 (apolipoprotein A5; minus strand), LOC108491825 (enhancer-blocking element 11-1-2 overlapping APOA5; plus strand). Cytogenetic location: 11q23.3.
Variant type: single nucleotide variant.
Coding change: c.70C>A on transcript NM_001371904.1 (MANE Select); coding-DNA position 70, C replaced by A.
Protein change: p.Arg24=; no amino-acid change (arginine 24 retained).
Molecular consequence: synonymous variant.
Genome position (GRCh38, 1-based): chr11:116,791,677, G>T on the plus strand (C>A on the coding strand, the complement: APOA5 is on the minus strand). VCF-style: chr11-116791677-G-T. GRCh37 (hg19) VCF-style: chr11-116662393-G-T.
Other names: c.70C>A, p.Arg24= (NM_001166598.2, NM_052968.5).
Identifiers: ClinVar variation 1604153 (VCV001604153.15), dbSNP rs144178633, ClinGen allele CA6289164.
Genomic context (GRCh38, chr11:116,791,677, plus strand): 5'-TCTGCTCCACCCTGCCTTTGTCCCCGCTGGTCTGGCTGAAGTAGTCCCAGAAGCCTTTCC[G>T]TGCCTGGGTGGCCGAAAACGCTGTGGAGAGGGACTAGGTAATCAGGGCCTGGGCTCTCCT-3'
Protein context (NP_001358833.1, residues 14-34): LLSAFSATQA[Arg24=]KGFWDYFSQT